The following is an entry in ClinVar:

ClinVar aggregate classification (germline): Uncertain significance (1 of 4 stars; one submission).

Conditions:
Hereditary neuropathy or pain disorder.

Submission:

Cambridge Genomics Laboratory, East Genomic Laboratory Hub, NHS Genomic Medicine Service
Classification: Uncertain significance for Hereditary neuropathy or pain disorder. Last evaluated: 2023-11-24. Review status: criteria provided, single submitter. Criteria: ACGS Best Practice Guidelines for Variant Classification in Rare Disease 2020. Collection method: clinical testing. Allele origin: germline. Affected: yes.
Comment: The c.132+3A>G variant is novel (not in any individuals) in gnomAD All. The c.132+3A>G variant is novel (not in any individuals) in 1kG All. The c.132+3A>G variant is novel (not in any individuals) in gnomAD Genomes v3 All. (PM2 - Moderate) | (PP3 - Supporting)

NM_004863.4(SPTLC2):c.132+3A>G

Gene: SPTLC2 (serine palmitoyltransferase long chain base subunit 2; minus strand). Cytogenetic location: 14q24.3.
Variant type: single nucleotide variant.
Coding change: c.132+3A>G on transcript NM_004863.4 (MANE Select); 3 bases into the intron after coding-DNA position 132, A replaced by G.
Molecular consequence: intron variant.
Genome position (GRCh38, 1-based): chr14:77,616,445, T>C on the plus strand (A>G on the coding strand, the complement: SPTLC2 is on the minus strand). VCF-style: chr14-77616445-T-C. GRCh37 (hg19) VCF-style: chr14-78082788-T-C.
Identifiers: ClinVar variation 4812855 (VCV004812855.1).